The following is an entry in ClinVar:

NM_001127222.2(CACNA1A):c.6317G>T (p.Arg2106Leu)

Gene: CACNA1A (calcium voltage-gated channel subunit alpha1 A; minus strand). Cytogenetic location: 19p13.13.
Variant type: single nucleotide variant.
Coding change: c.6317G>T on transcript NM_001127222.2 (MANE Select); coding-DNA position 6317, G replaced by T.
Protein change: p.Arg2106Leu; replaces arginine 2106 with leucine.
Molecular consequence: missense variant.
Genome position (GRCh38, 1-based): chr19:13,210,639, C>A on the plus strand (G>T on the coding strand, the complement: CACNA1A is on the minus strand). VCF-style: chr19-13210639-C-A. GRCh37 (hg19) VCF-style: chr19-13321453-C-A.
Other names: c.6335G>T, p.Arg2112Leu (NM_000068.4, NM_023035.3); c.6320G>T, p.Arg2107Leu (NM_001127221.2); c.6326G>T, p.Arg2109Leu (NM_001174080.2); short protein forms R2107L, R2106L, R2109L, R2112L.
Identifiers: ClinVar variation 421772 (VCV000421772.12), dbSNP rs373229577, ClinGen allele CA16620772.

ClinVar aggregate classification (germline): Uncertain significance. Review status: criteria provided, multiple submitters, no conflicts (2 of 4 stars). 2 submissions from 2 submitters: Uncertain significance (2). Last evaluated 2026-01-14.

Conditions:
Episodic ataxia type 2 (EA2). Also called: ATAXIA, EPISODIC, WITH NYSTAGMUS; ATAXIA, FAMILIAL PAROXYSMAL; CEREBELLAR ATAXIA, PAROXYSMAL, ACETAZOLAMIDE-RESPONSIVE; CEREBELLOPATHY, HEREDITARY PAROXYSMAL; EPISODIC ATAXIA, NYSTAGMUS-ASSOCIATED; ACETAZOLAMIDE-RESPONSIVE HEREDITARY PAROXYSMAL CEREBELLAR ATAXIA. Identifiers: Orphanet 97, MedGen C1720416, MONDO:0007163, OMIM 108500.
Developmental and epileptic encephalopathy, 42 (DEE42A). Also called: Epileptic encephalopathy, early infantile, 42; DEVELOPMENTAL AND EPILEPTIC ENCEPHALOPATHY 42A; EPILEPTIC ENCEPHALOPATHY, EARLY INFANTILE, 42A. Identifiers: MedGen C4310716, MONDO:0014917, OMIM 617106.

gnomAD v4.1: 1 of 1,564,982 alleles (0.000064%); no homozygotes.

Submissions (2):

Labcorp Genetics (formerly Invitae), Labcorp
Classification: Uncertain significance for Developmental and epileptic encephalopathy, 42; Episodic ataxia type 2. Last evaluated: 2026-01-14. Review status: criteria provided, single submitter. Criteria: Invitae Variant Classification Sherloc (09022015). Collection method: clinical testing. Allele origin: germline.
Comment: This sequence change replaces arginine, which is basic and polar, with leucine, which is neutral and non-polar, at codon 2107 of the CACNA1A protein (p.Arg2107Leu). This variant is not present in population databases (gnomAD no frequency). This variant has not been reported in the literature in individuals affected with CACNA1A-related conditions. ClinVar contains an entry for this variant (Variation ID: 421772). Invitae Evidence Modeling of protein sequence and biophysical properties (such as structural, functional, and spatial information, amino acid conservation, physicochemical variation, residue mobility, and thermodynamic stability) indicates that this missense variant is not expected to disrupt CACNA1A protein function with a negative predictive value of 95%. In summary, the available evidence is currently insufficient to determine the role of this variant in disease. Therefore, it has been classified as a Variant of Uncertain Significance.

GeneDx
Classification: Uncertain significance. Last evaluated: 2022-01-10. Review status: criteria provided, single submitter. Criteria: GeneDx Variant Classification Process June 2021. Collection method: clinical testing. Allele origin: germline. Affected: yes.
Comment: Not observed at significant frequency in large population cohorts (gnomAD); In silico analysis supports that this missense variant has a deleterious effect on protein structure/function; Has not been previously published as pathogenic or benign to our knowledge